The following is an entry in ClinVar:

NM_025114.4(CEP290):c.3432_3434dup (p.Asn1144_Glu1145insAsp)

Gene: CEP290 (centrosomal protein 290; minus strand). Cytogenetic location: 12q21.32.
Variant type: Duplication.
Coding change: c.3432_3434dup on transcript NM_025114.4 (MANE Select); coding-DNA positions 3432 to 3434, 3 bases duplicated (TGA; older notation c.3432_3434dupTGA).
Protein change: p.Asn1144_Glu1145insAsp.
Molecular consequence: inframe insertion.
Genome position (GRCh38, 1-based): chr12:88,092,708-88,092,710, TCA duplicated on the plus strand (TGA on the coding strand, the reverse complement: CEP290 is on the minus strand); duplicating any 3 consecutive bases within chr12:88,092,708-88,092,711 gives the same sequence; the c. name uses the placement nearest the transcript's 3' end. VCF-style (leftmost placement, unchanged base first): chr12-88092707-T-TTCA. GRCh37 (hg19) VCF-style: chr12-88486484-T-TTCA.
Identifiers: ClinVar variation 1383760 (VCV001383760.8), dbSNP rs2137341409, ClinGen allele CA2573149039.
Genomic context (GRCh38, chr12:88,092,707, plus strand): 5'-TAGTCAAATGGCTAAAATGCTTATATGCACTTACTTTGACACTTCAACTTTTAGTTCCAT[T>TTCA]TCATTCTTCTCTAATTCTAGAATCCGTTGCCTATCAGCATCACTTACTGCCTTGCTCACA-3'

ClinVar aggregate classification (germline): Uncertain significance (1 of 4 stars; one submission).

Conditions:
Joubert syndrome. Also called: CEREBELLOPARENCHYMAL DISORDER IV; JOUBERT-BOLTSHAUSER SYNDROME; Familial aplasia of the vermis. Identifiers: Orphanet 475, MedGen C5979921, MONDO:0018772.
Nephronophthisis. Also called: Juvenile Nephronophthisis. Identifiers: Orphanet 655, MedGen C0687120, MONDO:0019005, HP:0000090.
Meckel-Gruber syndrome. Also called: DYSENCEPHALIA SPLANCHNOCYSTICA; GRUBER SYNDROME; Dysencephalia splachnocystica. Identifiers: Orphanet 564, MedGen C0265215, MONDO:0018921.

Submission:

Labcorp Genetics (formerly Invitae), Labcorp
Classification: Uncertain significance for Joubert syndrome; Meckel-Gruber syndrome; Nephronophthisis. Last evaluated: 2020-11-14. Review status: criteria provided, single submitter. Criteria: Invitae Variant Classification Sherloc (09022015). Collection method: clinical testing. Allele origin: germline.
Comment: In summary, the available evidence is currently insufficient to determine the role of this variant in disease. Therefore, it has been classified as a Variant of Uncertain Significance. Experimental studies and prediction algorithms are not available or were not evaluated, and the functional significance of this variant is currently unknown. This variant has been observed in individual(s) with retinitis pigmentosa (Invitae). This variant is not present in population databases (ExAC no frequency). This variant, c.3432_3434dup, results in the insertion of 1 amino acid(s) to the CEP290 protein (p.Asn1144_Glu1145insAsp), but otherwise preserves the integrity of the reading frame.